The following is an entry in ClinVar:

NM_001360016.2(G6PD):c.1075G>A (p.Gly359Ser)

Gene: G6PD (glucose-6-phosphate dehydrogenase; minus strand). Cytogenetic location: Xq28.
Variant type: single nucleotide variant.
Coding change: c.1075G>A on transcript NM_001360016.2 (MANE Select); coding-DNA position 1075, G replaced by A.
Protein change: p.Gly359Ser; replaces glycine 359 with serine.
Molecular consequence: missense variant.
Genome position (GRCh38, 1-based): chrX:154,532,779, C>T on the plus strand (G>A on the coding strand, the complement: G6PD is on the minus strand). VCF-style: chrX-154532779-C-T. GRCh37 (hg19) VCF-style: chrX-153760994-C-T.
Other names: c.1165G>A, p.Gly389Ser (NM_000402.4); c.1075G>A, p.Gly359Ser (NM_001042351.3); short protein forms G389S, G359S.
Identifiers: ClinVar variation 3663983 (VCV003663983.2).

ClinVar aggregate classification (germline): Uncertain significance (1 of 4 stars; one submission).

Conditions:
Anemia, nonspherocytic hemolytic, due to G6PD deficiency (CNSHA1). Also called: Hemolytic anemia due to G6PD deficiency; Class I glucose-6-phosphate dehydrogenase deficiency; Favism, susceptibility to; ANEMIA, CONGENITAL, NONSPHEROCYTIC HEMOLYTIC, 1. Identifiers: Orphanet 466026, MedGen C2720289, MONDO:0010480, OMIM 300908.

gnomAD v4.1: 1 of 1,207,637 alleles (0.000083%); highest among the groups gnomAD compares: Non-Finnish European, 0.00011%; no homozygotes.

Submission:

Labcorp Genetics (formerly Invitae), Labcorp
Classification: Uncertain significance for Anemia, nonspherocytic hemolytic, due to G6PD deficiency. Last evaluated: 2024-08-29. Review status: criteria provided, single submitter. Criteria: Invitae Variant Classification Sherloc (09022015). Collection method: clinical testing. Allele origin: germline.
Comment: This sequence change replaces glycine, which is neutral and non-polar, with serine, which is neutral and polar, at codon 359 of the G6PD protein (p.Gly359Ser). This variant is not present in population databases (gnomAD no frequency). This variant has not been reported in the literature in individuals affected with G6PD-related conditions. Invitae Evidence Modeling of protein sequence and biophysical properties (such as structural, functional, and spatial information, amino acid conservation, physicochemical variation, residue mobility, and thermodynamic stability) indicates that this missense variant is expected to disrupt G6PD protein function with a positive predictive value of 95%. In summary, the available evidence is currently insufficient to determine the role of this variant in disease. Therefore, it has been classified as a Variant of Uncertain Significance.